The following is an entry in ClinVar:

ClinVar aggregate classification (germline): Likely benign. Review status: criteria provided, multiple submitters, no conflicts (2 of 4 stars). 5 submissions from 5 submitters: Likely benign (4). 1 of the submissions does not count toward it. Last evaluated 2026-04-13.

Conditions:
TNC-related disorder. Also called: TNC-related condition.

Allele frequency attached by ClinVar (database versions not stated): 1000 Genomes Project 30x 0.00062; 1000 Genomes Project 0.00080; gnomAD 0.00082 and 0.00083; TOPMed 0.00082; ESP Exome Variant Server 0.00092; gnomAD exomes 0.00141.

Submissions (5):

Women's Health and Genetics/Laboratory Corporation of America, LabCorp
Classification: Likely benign. Last evaluated: 2026-04-13. Review status: criteria provided, single submitter. Criteria: LabCorp Variant Classification Summary - May 2015. Collection method: clinical testing. Allele origin: germline.
Comment: Variant summary: TNC c.511G>C (p.Gly171Arg) results in a non-conservative amino acid change in the encoded protein sequence. Algorithms developed to predict the effect of missense changes on protein structure and function are either unavailable or do not agree on the potential impact of this missense change. The variant allele was found at a frequency of 0.00072 in 251244 control chromosomes, predominantly at a frequency of 0.0014 within the Non-Finnish European subpopulation in the gnomAD database. The observed variant frequency within Non-Finnish European control individuals in the gnomAD database exceeds the estimated maximal expected allele frequency for disease-causing variants in TNC. To our knowledge, no occurrence of c.511G>C in individuals affected with TNC-related conditions and no experimental evidence demonstrating its impact on protein function have been reported. ClinVar contains an entry for this variant (Variation ID: 1315712). Based on the evidence outlined above, the variant was classified as likely benign.

Blueprint Genetics
Classification: Likely benign. Last evaluated: 2024-10-17. Review status: criteria provided, single submitter. Criteria: ACMG Guidelines, 2015. Collection method: clinical testing. Allele origin: germline.

GeneDx
Classification: Likely benign. Last evaluated: 2020-07-14. Review status: criteria provided, single submitter. Criteria: GeneDx Variant Classification Process June 2021. Collection method: clinical testing. Allele origin: germline. Affected: yes.
Comment: This variant is associated with the following publications: (PMID: 31190668)

Breakthrough Genomics
Classification: Likely benign. Review status: criteria provided, single submitter. Criteria: ACMG Guidelines, 2015. Collection method: not provided. Allele origin: germline. Inheritance: Autosomal dominant inheritance. Affected: yes.

PreventionGenetics, part of Exact Sciences
Classification: Likely benign for TNC-related condition. Last evaluated: 2022-02-07. Review status: no assertion criteria provided. Collection method: clinical testing. Allele origin: germline. Not counted in ClinVar's aggregate classification.
Comment: This variant is classified as likely benign based on ACMG/AMP sequence variant interpretation guidelines (Richards et al. 2015 PMID: 25741868, with internal and published modifications).

NM_002160.4(TNC):c.511G>C (p.Gly171Arg)

Gene: TNC (tenascin C; minus strand). Cytogenetic location: 9q33.1.
Variant type: single nucleotide variant.
Coding change: c.511G>C on transcript NM_002160.4 (MANE Select); coding-DNA position 511, G replaced by C.
Protein change: p.Gly171Arg; replaces glycine 171 with arginine.
Molecular consequence: missense variant.
Genome position (GRCh38, 1-based): chr9:115,087,220, C>G on the plus strand (G>C on the coding strand, the complement: TNC is on the minus strand). VCF-style: chr9-115087220-C-G. GRCh37 (hg19) VCF-style: chr9-117849499-C-G.
Other names: short protein forms G171R.
Identifiers: ClinVar variation 1315712 (VCV001315712.7), dbSNP rs117058692, ClinGen allele CA5209033.
Genomic context (GRCh38, chr9:115,087,220, plus strand): 5'-GACATTCGGGCTCAGAGCAGTTGGGGCCTTTCCAGCCAGGTTCGCAGACACAGCCACATC[C>G]TTCAGTGCTGAAGTTGCCCCGACCGCTACAGAAGGGCCTGGTGTCCAAGCGGCCTGCAAC-3'
Protein context (NP_002151.2, residues 161-181): CSGRGNFSTE[Gly171Arg]CGCVCEPGWK